The following is an entry in ClinVar:

ClinVar aggregate classification (germline): Benign/Likely benign. Review status: criteria provided, multiple submitters, no conflicts (2 of 4 stars). 3 submissions from 3 submitters: Benign (1); Likely benign (2). Last evaluated 2025-08-12.

Conditions:
Familial melanoma. Also called: Hereditary melanoma; Hereditary cutaneous melanoma. Identifiers: Orphanet 618, MedGen C1512419, MONDO:0018961.
Melanoma-pancreatic cancer syndrome. Identifiers: Orphanet 404560, MedGen C1838547, MONDO:0011713, OMIM 606719. Disease mechanism: loss of function.
Hereditary cancer-predisposing syndrome. Also called: Neoplastic Syndromes, Hereditary; Tumor predisposition; Hereditary Cancer Syndrome; Hereditary neoplastic syndrome. Identifiers: Orphanet 140162, MedGen C0027672, MeSH D009386, MONDO:0015356.

Submissions (3):

Myriad Genetics, Inc.
Classification: Benign for Melanoma-pancreatic cancer syndrome. Last evaluated: 2025-08-12. Review status: criteria provided, single submitter. Criteria: Myriad Autosomal Dominant, Autosomal Recessive and X-Linked Classification Criteria (2023). Collection method: clinical testing. Allele origin: unknown.
Comment: This variant is considered benign. This variant is a silent/synonymous amino acid change and it is not expected to impact splicing.

Ambry Genetics
Classification: Likely benign for Hereditary cancer-predisposing syndrome. Last evaluated: 2023-03-30. Review status: criteria provided, single submitter. Criteria: Ambry Variant Classification Scheme 2023. Collection method: clinical testing. Allele origin: germline.

Labcorp Genetics (formerly Invitae), Labcorp
Classification: Likely benign for Familial melanoma. Last evaluated: 2019-06-12. Review status: criteria provided, single submitter. Criteria: Invitae Variant Classification Sherloc (09022015). Collection method: clinical testing. Allele origin: germline.

NM_058195.4(CDKN2A):c.93G>C (p.Thr31=)

Gene: CDKN2A (cyclin dependent kinase inhibitor 2A; minus strand). Cytogenetic location: 9p21.3.
Variant type: single nucleotide variant.
Coding change: c.93G>C on transcript NM_058195.4 (MANE Plus Clinical); coding-DNA position 93, G replaced by C.
Protein change: p.Thr31=; no amino-acid change (threonine 31 retained).
Molecular consequence: synonymous variant. On other transcripts: intron variant (1).
Genome position (GRCh38, 1-based): chr9:21,994,239, C>G on the plus strand (G>C on the coding strand, the complement: CDKN2A is on the minus strand). VCF-style: chr9-21994239-C-G. GRCh37 (hg19) VCF-style: chr9-21994238-C-G.
Other names: c.-4+582G>C (NM_001363763.2).
Identifiers: ClinVar variation 1137388 (VCV001137388.8), dbSNP rs1330218502, ClinGen allele CA464100325.